The following is an entry in ClinVar:

NM_003482.4(KMT2D):c.2314C>T (p.Pro772Ser)

Gene: KMT2D (lysine methyltransferase 2D; minus strand). Cytogenetic location: 12q13.12.
Variant type: single nucleotide variant.
Coding change: c.2314C>T on transcript NM_003482.4 (MANE Select); coding-DNA position 2314, C replaced by T.
Protein change: p.Pro772Ser; replaces proline 772 with serine.
Molecular consequence: missense variant.
Genome position (GRCh38, 1-based): chr12:49,051,369, G>A on the plus strand (C>T on the coding strand, the complement: KMT2D is on the minus strand). VCF-style: chr12-49051369-G-A. GRCh37 (hg19) VCF-style: chr12-49445152-G-A.
Other names: short protein forms P772S.
Identifiers: ClinVar variation 4801257 (VCV004801257.2).

ClinVar aggregate classification (germline): Uncertain significance. Review status: criteria provided, multiple submitters, no conflicts (2 of 4 stars). 2 submissions from 2 submitters: Uncertain significance (2). Last evaluated 2026-04-02.

Conditions:
Kabuki syndrome. Also called: NIIKAWA-KUROKI SYNDROME; Kabuki make-up syndrome. Identifiers: Orphanet 2322, MedGen C0796004, MONDO:0016512.

Submissions (2):

GeneDx
Classification: Uncertain significance. Last evaluated: 2026-04-02. Review status: criteria provided, single submitter. Criteria: GeneDx Variant Classification Process June 2021. Collection method: clinical testing. Allele origin: germline.
Comment: Not observed at significant frequency in large population cohorts (gnomAD); In silico analysis suggests that this missense variant does not alter protein structure/function; Has not been previously published as pathogenic or benign to our knowledge

Labcorp Genetics (formerly Invitae), Labcorp
Classification: Uncertain significance for Kabuki syndrome. Last evaluated: 2025-06-04. Review status: criteria provided, single submitter. Criteria: Invitae Variant Classification Sherloc (09022015). Collection method: clinical testing. Allele origin: germline.
Comment: This sequence change replaces proline, which is neutral and non-polar, with serine, which is neutral and polar, at codon 772 of the KMT2D protein (p.Pro772Ser). This variant is not present in population databases (gnomAD no frequency). This variant has not been reported in the literature in individuals affected with KMT2D-related conditions. Invitae Evidence Modeling of protein sequence and biophysical properties (such as structural, functional, and spatial information, amino acid conservation, physicochemical variation, residue mobility, and thermodynamic stability) indicates that this missense variant is not expected to disrupt KMT2D protein function with a negative predictive value of 95%. In summary, the available evidence is currently insufficient to determine the role of this variant in disease. Therefore, it has been classified as a Variant of Uncertain Significance.